The following is an entry in ClinVar:

ClinVar aggregate classification (germline): Benign/Likely benign. Review status: criteria provided, multiple submitters, no conflicts (2 of 4 stars). 18 submissions from 17 submitters: Benign (12); Likely benign (1). 5 of the submissions do not count toward it. Last evaluated 2026-09-01.

Conditions:
Adams-Oliver syndrome 5 (AOS5). Identifiers: Orphanet 974, MedGen C4014970, MONDO:0014459, OMIM 616028.
Aortic valve disease 1 (AOVD1). Identifiers: MedGen C3887892, MONDO:0024523, OMIM 109730.
Familial thoracic aortic aneurysm and aortic dissection (TAAD). Also called: Thoracic aortic aneurysms and dissections. Identifiers: Orphanet 91387, MedGen C4707243, MONDO:0019625.

Allele frequency attached by ClinVar (database versions not stated): 1000 Genomes Project 30x 0.00375; 1000 Genomes Project 0.00379; ExAC 0.00749; gnomAD exomes 0.00799 and 0.01056; gnomAD 0.00824 and 0.00854; TOPMed 0.00841; ESP Exome Variant Server 0.01012.
gnomAD v4.1: 16,616 of 1,611,970 alleles (1%); highest among the groups gnomAD compares: Non-Finnish European, 1.2%; 98 homozygotes.

Submissions (18):

CeGaT Center for Human Genetics Tuebingen
Classification: Benign. Last evaluated: 2026-09-01. Review status: criteria provided, single submitter. Criteria: CeGaT Center For Human Genetics Tuebingen Variant Classification Criteria Version 2. Collection method: clinical testing. Allele origin: germline. Affected: yes. Observed: 30 variant alleles.
Comment: NOTCH1: BP4, BP7, BS1, BS2

Labcorp Genetics (formerly Invitae), Labcorp
Classification: Benign for Adams-Oliver syndrome 5. Last evaluated: 2026-02-04. Review status: criteria provided, single submitter. Criteria: Invitae Variant Classification Sherloc (09022015). Collection method: clinical testing. Allele origin: germline.

ARUP Laboratories, Molecular Genetics and Genomics, ARUP Laboratories
Classification: Benign. Last evaluated: 2025-06-30. Review status: criteria provided, single submitter. Criteria: ARUP Molecular Germline Variant Investigation Process 2024. Collection method: clinical testing. Allele origin: germline.

Blueprint Genetics
Classification: Likely benign. Last evaluated: 2024-11-26. Review status: criteria provided, single submitter. Criteria: ACMG Guidelines, 2015. Collection method: clinical testing. Allele origin: germline.

Mayo Clinic Laboratories, Mayo Clinic
Classification: Benign. Last evaluated: 2024-07-18. Review status: criteria provided, single submitter. Criteria: ACMG Guidelines, 2015. Collection method: clinical testing. Allele origin: germline. Observed: 36 variant alleles.
Comment: BS1, BS2, BP4, BP7

Women's Health and Genetics/Laboratory Corporation of America, LabCorp
Classification: Benign. Last evaluated: 2023-07-21. Review status: criteria provided, single submitter. Criteria: LabCorp Variant Classification Summary - May 2015. Collection method: clinical testing. Allele origin: germline.

Genome-Nilou Lab
Classification: Benign for Adams-Oliver syndrome 5. Last evaluated: 2022-03-15. Review status: criteria provided, single submitter. Criteria: ACMG Guidelines, 2015. Collection method: clinical testing. Allele origin: germline. Affected: no.

Genome-Nilou Lab
Classification: Benign for Aortic valve disease 1. Last evaluated: 2022-03-15. Review status: criteria provided, single submitter. Criteria: ACMG Guidelines, 2015. Collection method: clinical testing. Allele origin: germline. Affected: no.

Fulgent Genetics
Classification: Benign for Aortic valve disease 1; Adams-Oliver syndrome 5. Last evaluated: 2021-07-08. Review status: criteria provided, single submitter. Criteria: ACMG Guidelines, 2015. Collection method: clinical testing. Allele origin: unknown.

GeneDx
Classification: Benign. Last evaluated: 2016-10-14. Review status: criteria provided, single submitter. Criteria: GeneDx Variant Classification (06012015). Collection method: clinical testing. Allele origin: germline. Affected: yes.
Comment: This variant is considered likely benign or benign based on one or more of the following criteria: it is a conservative change, it occurs at a poorly conserved position in the protein, it is predicted to be benign by multiple in silico algorithms, and/or has population frequency not consistent with disease.

CHEO Genetics Diagnostic Laboratory, Children's Hospital of Eastern Ontario
Classification: Benign for Familial thoracic aortic aneurysm and aortic dissection. Last evaluated: 2016-03-29. Review status: criteria provided, single submitter. Criteria: ACMG Guidelines, 2015. Collection method: clinical testing. Allele origin: germline. Study: Canadian Open Genetics Repository.

Ambry Genetics
Classification: Benign for Familial thoracic aortic aneurysm and aortic dissection. Last evaluated: 2015-01-23. Review status: criteria provided, single submitter. Criteria: Ambry Variant Classification Scheme 2023. Collection method: clinical testing. Allele origin: germline.

Breakthrough Genomics
Classification: Benign. Review status: criteria provided, single submitter. Criteria: ACMG Guidelines, 2015. Collection method: not provided. Allele origin: germline. Inheritance: Autosomal dominant inheritance. Affected: yes.

Clinical Genetics DNA and cytogenetics Diagnostics Lab, Erasmus MC, Erasmus Medical Center
Classification: Benign. Review status: no assertion criteria provided. Collection method: clinical testing. Allele origin: germline. Affected: yes. Study: VKGL Data-share Consensus. Not counted in ClinVar's aggregate classification.

Clinical Genetics, Academic Medical Center
Classification: Benign. Review status: no assertion criteria provided. Collection method: clinical testing. Allele origin: germline. Affected: yes. Study: VKGL Data-share Consensus. Not counted in ClinVar's aggregate classification.

Genome Diagnostics Laboratory, Amsterdam University Medical Center
Classification: Benign. Review status: no assertion criteria provided. Collection method: clinical testing. Allele origin: germline. Affected: yes. Study: VKGL Data-share Consensus. Not counted in ClinVar's aggregate classification.

Joint Genome Diagnostic Labs from Nijmegen and Maastricht, Radboudumc and MUMC+
Classification: Benign. Review status: no assertion criteria provided. Collection method: clinical testing. Allele origin: germline. Affected: yes. Study: VKGL Data-share Consensus. Not counted in ClinVar's aggregate classification.

Laboratory of Diagnostic Genome Analysis, Leiden University Medical Center (LUMC)
Classification: Benign. Review status: no assertion criteria provided. Collection method: clinical testing. Allele origin: germline. Affected: yes. Study: VKGL Data-share Consensus. Not counted in ClinVar's aggregate classification.

Literature cited by the submitters: PubMed 24943832 (cited by Women's Health and Genetics/Laboratory Corporation of America, LabCorp); PubMed 16614245 (cited by Women's Health and Genetics/Laboratory Corporation of America, LabCorp); PubMed 21670202 (cited by Women's Health and Genetics/Laboratory Corporation of America, LabCorp); PubMed 22210878 (cited by Women's Health and Genetics/Laboratory Corporation of America, LabCorp); PubMed 19635999 (cited by Women's Health and Genetics/Laboratory Corporation of America, LabCorp); PubMed 26837699 (cited by Women's Health and Genetics/Laboratory Corporation of America, LabCorp); PubMed 23086750 (cited by Women's Health and Genetics/Laboratory Corporation of America, LabCorp); PubMed 19245433 (cited by Women's Health and Genetics/Laboratory Corporation of America, LabCorp); PubMed 22077063 (cited by Women's Health and Genetics/Laboratory Corporation of America, LabCorp); PubMed 15472075 (cited by Women's Health and Genetics/Laboratory Corporation of America, LabCorp); PubMed 23734977 (cited by Women's Health and Genetics/Laboratory Corporation of America, LabCorp); PubMed 22858860 (cited by Women's Health and Genetics/Laboratory Corporation of America, LabCorp).

NM_017617.5(NOTCH1):c.1635C>T (p.Asp545=)

Gene: NOTCH1 (notch receptor 1; minus strand). Cytogenetic location: 9q34.3.
Variant type: single nucleotide variant.
Coding change: c.1635C>T on transcript NM_017617.5 (MANE Select); coding-DNA position 1635, C replaced by T.
Protein change: p.Asp545=; no amino-acid change (aspartic acid 545 retained).
Molecular consequence: synonymous variant.
Genome position (GRCh38, 1-based): chr9:136,516,015, G>A on the plus strand (C>T on the coding strand, the complement: NOTCH1 is on the minus strand). VCF-style: chr9-136516015-G-A. GRCh37 (hg19) VCF-style: chr9-139410467-G-A.
Other names: p.Asp545=; c.1635C>T, p.Asp545= (LRG_1122t1); c.1635C>T (NM_017617.4).
Identifiers: ClinVar variation 220907 (VCV000220907.57), dbSNP rs11574889, ClinGen allele CA350393.
Genomic context (GRCh38, chr9:136,516,015, plus strand): 5'-CCCCGCTGGTGGGCGCCAGCCCGCACCTTCCGTGCACACACAGGTGTAAGTGTTGGGTCC[G>A]TCCAGGCACTTGGCACCATTCTTGCAGGGGGTGCTGGCACACTCGTCCACATCGTACTGG-3'
Protein context (NP_060087.3, residues 535-555): TPCKNGAKCL[Asp545=]GPNTYTCVCT